The following is an entry in ClinVar:

NM_004006.3(DMD):c.3903A>C (p.Glu1301Asp)

Gene: DMD (dystrophin; minus strand). Cytogenetic location: Xp21.1.
Variant type: single nucleotide variant.
Coding change: c.3903A>C on transcript NM_004006.3 (MANE Select); coding-DNA position 3903, A replaced by C.
Protein change: p.Glu1301Asp; replaces glutamic acid 1301 with aspartic acid.
Molecular consequence: missense variant.
Genome position (GRCh38, 1-based): chrX:32,441,198, T>G on the plus strand (A>C on the coding strand, the complement: DMD is on the minus strand). VCF-style: chrX-32441198-T-G. GRCh37 (hg19) VCF-style: chrX-32459315-T-G.
Other names: c.3879A>C, p.Glu1293Asp (NM_000109.4); c.3891A>C, p.Glu1297Asp (NM_004009.3); c.3534A>C, p.Glu1178Asp (NM_004010.3); short protein forms E1293D, E1178D, E1297D, E1301D.
Identifiers: ClinVar variation 1425366 (VCV001425366.6), dbSNP rs2148221497, ClinGen allele CA412670192.

ClinVar aggregate classification (germline): Uncertain significance (1 of 4 stars; one submission).

Conditions:
Duchenne muscular dystrophy (DMD). Also called: MUSCULAR DYSTROPHY, PSEUDOHYPERTROPHIC PROGRESSIVE, DUCHENNE TYPE; Duchenne Muscular Dystrophy (DMD). Identifiers: Orphanet 98896, MedGen C0013264, MONDO:0010679, OMIM 310200.

Submission:

Labcorp Genetics (formerly Invitae), Labcorp
Classification: Uncertain significance for Duchenne muscular dystrophy. Last evaluated: 2023-03-09. Review status: criteria provided, single submitter. Criteria: Invitae Variant Classification Sherloc (09022015). Collection method: clinical testing. Allele origin: germline.
Comment: This sequence change replaces glutamic acid, which is acidic and polar, with aspartic acid, which is acidic and polar, at codon 1301 of the DMD protein (p.Glu1301Asp). This variant is not present in population databases (gnomAD no frequency). This variant has not been reported in the literature in individuals affected with DMD-related conditions. ClinVar contains an entry for this variant (Variation ID: 1425366). Advanced modeling of protein sequence and biophysical properties (such as structural, functional, and spatial information, amino acid conservation, physicochemical variation, residue mobility, and thermodynamic stability) performed at Invitae indicates that this missense variant is not expected to disrupt DMD protein function. In summary, the available evidence is currently insufficient to determine the role of this variant in disease. Therefore, it has been classified as a Variant of Uncertain Significance.